The following is an entry in ClinVar:

NM_004366.6(CLCN2):c.459G>C (p.Gln153His)

Gene: CLCN2 (chloride voltage-gated channel 2; minus strand). Cytogenetic location: 3q27.1.
Variant type: single nucleotide variant.
Coding change: c.459G>C on transcript NM_004366.6 (MANE Select); coding-DNA position 459, G replaced by C.
Protein change: p.Gln153His; replaces glutamine 153 with histidine.
Molecular consequence: missense variant.
Genome position (GRCh38, 1-based): chr3:184,358,204, C>G on the plus strand (G>C on the coding strand, the complement: CLCN2 is on the minus strand). VCF-style: chr3-184358204-C-G. GRCh37 (hg19) VCF-style: chr3-184075992-C-G.
Other names: c.459G>C, p.Gln153His (NM_001171087.3, NM_001171089.3); c.327G>C, p.Gln109His (NM_001171088.3); short protein forms Q109H, Q153H.
Identifiers: ClinVar variation 3589045 (VCV003589045.3).
Genomic context (GRCh38, chr3:184,358,204, plus strand): 5'-GGGTCCCGCCTCTGCCCTCCCCTTCTCTTCTAACATACCGACAGCCTGAGGGGCCAGGAT[C>G]TGTGTGAATCCGGCTGAGAAAGTGATGAGGACAACAGGGTAGGTGACCCAGGCCAGGTAC-3'
Protein context (NP_004357.3, residues 143-163): VLITFSAGFT[Gln153His]ILAPQAVGSG

ClinVar aggregate classification (germline): Uncertain significance. Review status: criteria provided, multiple submitters, no conflicts (2 of 4 stars). 2 submissions from 2 submitters: Uncertain significance (2). Last evaluated 2024-09-26.

Conditions:
Epilepsy, idiopathic generalized, susceptibility to, 11 (EIG11). Identifiers: Orphanet 307, MedGen C2750893, MONDO:0011875, OMIM 607628.
Leukoencephalopathy with mild cerebellar ataxia and white matter edema (LKPAT). Also called: Leukoencephalopathy with ataxia; Leukoencephalopathy with white matter edema; Brain white matter edema; CLCN2-Related Leukoencephalopathy. Identifiers: Orphanet 363540, MedGen C4554120, MONDO:0014292, OMIM 615651. Disease mechanism: loss of function.
Familial hyperaldosteronism type II. Also called: FH II. Identifiers: Orphanet 404, MedGen C1854107, MONDO:0011576, OMIM 605635.

gnomAD v4.1: 8 of 1,614,162 alleles (0.0005%); highest among the groups gnomAD compares: Admixed American, 0.013%; no homozygotes.

Submissions (2):

Labcorp Genetics (formerly Invitae), Labcorp
Classification: Uncertain significance. Last evaluated: 2024-09-26. Review status: criteria provided, single submitter. Criteria: Invitae Variant Classification Sherloc (09022015). Collection method: clinical testing. Allele origin: germline.
Comment: This sequence change replaces glutamine, which is neutral and polar, with histidine, which is basic and polar, at codon 153 of the CLCN2 protein (p.Gln153His). This variant is present in population databases (rs751790331, gnomAD 0.02%). This variant has not been reported in the literature in individuals affected with CLCN2-related conditions. Invitae Evidence Modeling of protein sequence and biophysical properties (such as structural, functional, and spatial information, amino acid conservation, physicochemical variation, residue mobility, and thermodynamic stability) indicates that this missense variant is not expected to disrupt CLCN2 protein function with a negative predictive value of 95%. In summary, the available evidence is currently insufficient to determine the role of this variant in disease. Therefore, it has been classified as a Variant of Uncertain Significance.

Fulgent Genetics
Classification: Uncertain significance for Familial hyperaldosteronism type II; Epilepsy, idiopathic generalized, susceptibility to, 11; Leukoencephalopathy with mild cerebellar ataxia and white matter edema. Last evaluated: 2024-04-02. Review status: criteria provided, single submitter. Criteria: ACMG Guidelines, 2015. Collection method: clinical testing. Allele origin: germline.